The following is an entry in ClinVar:

NM_001905.4(CTPS1):c.309A>G (p.Lys103=)

Gene: CTPS1 (CTP synthase 1; plus strand). Cytogenetic location: 1p34.2.
Variant type: single nucleotide variant.
Coding change: c.309A>G on transcript NM_001905.4 (MANE Select); coding-DNA position 309, A replaced by G.
Protein change: p.Lys103=; no amino-acid change (lysine 103 retained).
Molecular consequence: synonymous variant. On other transcripts: non-coding transcript variant (1).
Genome position (GRCh38, 1-based): chr1:40,984,963, A>G. VCF-style: chr1-40984963-A-G. GRCh37 (hg19) VCF-style: chr1-41450635-A-G.
Other names: c.309A>G (NM_001905.3).
Identifiers: ClinVar variation 1146481 (VCV001146481.11), dbSNP rs773103801, ClinGen allele CA795200.

ClinVar aggregate classification (germline): Likely benign. Review status: criteria provided, single submitter (1 of 4 stars). 2 submissions from 2 submitters: Likely benign (1). 1 of the submissions does not count toward it. Last evaluated 2025-10-31.

Conditions:
Combined immunodeficiency due to CTPS1 deficiency. Also called: Immunodeficiency 24; Severe combined immunodeficiency due to CTPS1 deficiency. Identifiers: Orphanet 420573, MedGen C4014617, MONDO:0014391, OMIM 615897.
CTPS1-related disorder. Also called: CTPS1-related condition.

Allele frequency attached by ClinVar (database versions not stated): gnomAD 0.00001; TOPMed 0.00001.
gnomAD v4.1: 127 of 1,586,634 alleles (0.008%); highest among the groups gnomAD compares: South Asian, 0.14%; 2 homozygotes.

Submissions (2):

Labcorp Genetics (formerly Invitae), Labcorp
Classification: Likely benign for Combined immunodeficiency due to CTPS1 deficiency. Last evaluated: 2025-10-31. Review status: criteria provided, single submitter. Criteria: Invitae Variant Classification Sherloc (09022015). Collection method: clinical testing. Allele origin: germline.

PreventionGenetics, part of Exact Sciences
Classification: Likely benign for CTPS1-related condition. Last evaluated: 2019-05-02. Review status: no assertion criteria provided. Collection method: clinical testing. Allele origin: germline. Not counted in ClinVar's aggregate classification.
Comment: This variant is classified as likely benign based on ACMG/AMP sequence variant interpretation guidelines (Richards et al. 2015 PMID: 25741868, with internal and published modifications).